The following is an entry in ClinVar:

ClinVar aggregate classification (germline): Uncertain significance (1 of 4 stars; one submission).

Conditions:
Familial thoracic aortic aneurysm and aortic dissection (TAAD). Also called: Thoracic aortic aneurysms and dissections. Identifiers: Orphanet 91387, MedGen C4707243, MONDO:0019625.

Allele frequency attached by ClinVar (database versions not stated): gnomAD exomes below 0.00001.
gnomAD v4.1: 1 of 1,613,814 alleles (0.000062%); highest among the groups gnomAD compares: Non-Finnish European, 0.000085%; no homozygotes.

Submission:

Ambry Genetics
Classification: Uncertain significance for Familial thoracic aortic aneurysm and aortic dissection. Last evaluated: 2015-06-30. Review status: criteria provided, single submitter. Criteria: Ambry Variant Classification Scheme 2023. Collection method: clinical testing. Allele origin: germline.
Comment: The p.Q780L variant (also known as c.2339A>T), located in coding exon 19 of the FBN1 gene, results from an A to T substitution at nucleotide position 2339. The glutamine at codon 780 is replaced by leucine, an amino acid with dissimilar properties. This variant was not reported in population based cohorts in the following databases: Database of Single Nucleotide Polymorphisms (dbSNP), NHLBI Exome Sequencing Project (ESP), and 1000 Genomes Project. In the ESP, this variant was not observed in 6493 samples (12986 alleles) with coverage at this position. This amino acid position is highly conserved through mammals and in available vertebrate species. In addition, this alteration is predicted to be tolerated by in silico analysis. Since supporting evidence is limited at this time, the clinical significance of this variant remains unclear.

NM_000138.5(FBN1):c.2339A>T (p.Gln780Leu)

Gene: FBN1 (fibrillin 1; minus strand). Cytogenetic location: 15q21.1.
Variant type: single nucleotide variant.
Coding change: c.2339A>T on transcript NM_000138.5 (MANE Select); coding-DNA position 2339, A replaced by T.
Protein change: p.Gln780Leu; replaces glutamine 780 with leucine.
Molecular consequence: missense variant.
Genome position (GRCh38, 1-based): chr15:48,496,180, T>A on the plus strand (A>T on the coding strand, the complement: FBN1 is on the minus strand). VCF-style: chr15-48496180-T-A. GRCh37 (hg19) VCF-style: chr15-48788377-T-A.
Other names: short protein forms Q780L.
Identifiers: ClinVar variation 264139 (VCV000264139.5), dbSNP rs886039058, ClinGen allele CA10587851.